The following is an entry in ClinVar:

NM_002691.4(POLD1):c.2619C>T (p.Cys873=)

Gene: POLD1 (DNA polymerase delta 1, catalytic subunit; plus strand). Cytogenetic location: 19q13.33.
Variant type: single nucleotide variant.
Coding change: c.2619C>T on transcript NM_002691.4 (MANE Select); coding-DNA position 2619, C replaced by T.
Protein change: p.Cys873=; no amino-acid change (cysteine 873 retained).
Molecular consequence: synonymous variant. On other transcripts: non-coding transcript variant (1).
Genome position (GRCh38, 1-based): chr19:50,415,492, C>T. VCF-style: chr19-50415492-C-T. GRCh37 (hg19) VCF-style: chr19-50918749-C-T.
Other names: c.2619C>T, p.Cys873= (NM_001256849.1); c.2697C>T, p.Cys899= (NM_001308632.1); c.2619C>T (NM_002691.2).
Identifiers: ClinVar variation 2827655 (VCV002827655.4), dbSNP rs2039246253, ClinGen allele CA508305259.

ClinVar aggregate classification (germline): Conflicting classifications of pathogenicity. Review status: criteria provided, conflicting classifications (1 of 4 stars). 2 submissions from 2 submitters: Uncertain significance (1); Likely benign (1). Last evaluated 2025-12-06.

Conditions:
POLD1-related polyposis and colorectal cancer syndrome (CRCS10). Also called: Colorectal cancer 10; COLORECTAL CANCER, SUSCEPTIBILITY TO, ON CHROMOSOME 19q; Colorectal cancer, susceptibility to, 10. Identifiers: Orphanet 220460, MedGen C2675481, MONDO:0012953, OMIM 612591.
Hereditary cancer-predisposing syndrome. Also called: Neoplastic Syndromes, Hereditary; Tumor predisposition; Hereditary Cancer Syndrome; Hereditary neoplastic syndrome. Identifiers: Orphanet 140162, MedGen C0027672, MeSH D009386, MONDO:0015356.

Submissions (2):

Labcorp Genetics (formerly Invitae), Labcorp
Classification: Likely benign for POLD1-related polyposis and colorectal cancer syndrome. Last evaluated: 2025-12-06. Review status: criteria provided, single submitter. Criteria: Invitae Variant Classification Sherloc (09022015). Collection method: clinical testing. Allele origin: germline.

Ambry Genetics
Classification: Uncertain significance for Hereditary cancer-predisposing syndrome. Last evaluated: 2025-02-19. Review status: criteria provided, single submitter. Criteria: Ambry Variant Classification Scheme 2023. Collection method: clinical testing. Allele origin: germline.
Comment: The c.2619C>T variant (also known as p.C873C), located in coding exon 20 of the POLD1 gene, results from a C to T substitution at nucleotide position 2619. This nucleotide substitution does not change the cysteine at codon 873. This nucleotide position is not well conserved in available vertebrate species. In silico splice site analysis for this alteration is inconclusive. Based on the available evidence, the clinical significance of this variant remains unclear.